The following is an entry in ClinVar:

ClinVar aggregate classification (germline): Conflicting classifications of pathogenicity. Review status: criteria provided, conflicting classifications (1 of 4 stars). 9 submissions from 9 submitters: Uncertain significance (5); Likely benign (1). 3 of the submissions do not count toward it. Last evaluated 2024-02-15.

Conditions:
Hereditary nonpolyposis colorectal neoplasms. Identifiers: MedGen C0009405, MeSH D003123.
Hereditary cancer-predisposing syndrome. Also called: Tumor predisposition; Hereditary Cancer Syndrome; Hereditary neoplastic syndrome; Neoplastic Syndromes, Hereditary. Identifiers: Orphanet 140162, MedGen C0027672, MeSH D009386, MONDO:0015356.
Lynch syndrome 5 (LYNCH5). Also called: Colorectal cancer, hereditary nonpolyposis, type 5; Hereditary non-polyposis colorectal cancer, type 5. Identifiers: Orphanet 144, MedGen C1833477, MONDO:0013710, OMIM 614350. Disease mechanism: loss of function.
Endometrial carcinoma. Also called: Endometrial carcinoma, somatic. Identifiers: MedGen C0476089, MONDO:0002447, OMIM 608089, HP:0012114.

Allele frequency attached by ClinVar (database versions not stated): gnomAD exomes below 0.00001; gnomAD 0.00001.
gnomAD v4.1: 3 of 1,613,994 alleles (0.00019%); highest among the groups gnomAD compares: Non-Finnish European, 0.00025%; no homozygotes.

Submissions (9):

Baylor Genetics
Classification: Uncertain significance for Endometrial carcinoma. Last evaluated: 2024-02-15. Review status: criteria provided, single submitter. Criteria: ACMG Guidelines, 2015. Collection method: clinical testing. Allele origin: unknown.

Labcorp Genetics (formerly Invitae), Labcorp
Classification: Likely benign for Hereditary nonpolyposis colorectal neoplasms. Last evaluated: 2023-07-07. Review status: criteria provided, single submitter. Criteria: Invitae Variant Classification Sherloc (09022015). Collection method: clinical testing. Allele origin: germline.

Color Diagnostics, LLC DBA Color Health
Classification: Uncertain significance for Hereditary cancer-predisposing syndrome. Last evaluated: 2018-09-12. Review status: criteria provided, single submitter. Criteria: ACMG Guidelines, 2015. Collection method: clinical testing. Allele origin: germline.

Clinical Genetics DNA and cytogenetics Diagnostics Lab, Erasmus MC, Erasmus Medical Center
Classification: Uncertain significance for Lynch syndrome 5. Last evaluated: 2017-05-31. Review status: criteria provided, single submitter. Criteria: ACGS Guidelines, 2013. Collection method: clinical testing. Allele origin: germline. Affected: yes. Study: VKGL Data-share Consensus.

Ambry Genetics
Classification: Uncertain significance for Hereditary cancer-predisposing syndrome. Last evaluated: 2017-03-13. Review status: criteria provided, single submitter. Criteria: Ambry Variant Classification Scheme 2023. Collection method: clinical testing. Allele origin: germline.
Comment: The p.I1227L variant (also known as c.3679A>T), located in coding exon 8 of the MSH6 gene, results from an A to T substitution at nucleotide position 3679. The isoleucine at codon 1227 is replaced by leucine, an amino acid with highly similar properties. This amino acid position is highly conserved in available vertebrate species. In addition, this alteration is predicted to be deleterious by in silico analysis. In addition, the CoDP in silico tool predicts this alteration to have moderate impact on molecular function, with a score of 0.619 (Terui H et al. J. Biomed. Sci. 2013 Apr;20:25). Since supporting evidence is limited at this time, the clinical significance of this alteration remains unclear.

GeneDx
Classification: Uncertain significance. Last evaluated: 2015-10-28. Review status: criteria provided, single submitter. Criteria: GeneDx Variant Classification (06012015). Collection method: clinical testing. Allele origin: germline. Affected: yes.
Comment: This variant is denoted MSH6 c.3679A>T at the cDNA level, p.Ile1227Leu (I1227L) at the protein level, and results in the change of an Isoleucine to a Leucine (ATA>TTA). This variant has not, to our knowledge, been published in the literature as pathogenic or benign. MSH6 Ile1227Leu was not observed in approximately 6,500 individuals of European and African American ancestry in the NHLBI Exome Sequencing Project, suggesting it is not a common benign variant in these populations. Since Isoleucine and Leucine share similar properties, this is considered a conservative amino acid substitution. MSH6 Ile1227Leu occurs at a position that is conserved across species and is located within domain V of the MutS domain (Terui 2013). In silico analyses predict that this variant is probably damaging to protein structure and function. Based on currently available evidence, it is unclear whether MSH6 Ile1227Leu is pathogenic or benign. We consider it to be a variant of uncertain significance.

Genome Diagnostics Laboratory, Amsterdam University Medical Center
Classification: Uncertain significance for Lynch syndrome 5. Last evaluated: 2017-05-21. Review status: no assertion criteria provided. Criteria: ACGS Guidelines, 2013. Collection method: clinical testing. Allele origin: germline. Affected: yes. Study: VKGL Data-share Consensus. Not counted in ClinVar's aggregate classification.

Diagnostic Laboratory, Department of Genetics, University Medical Center Groningen
Classification: Uncertain significance. Review status: no assertion criteria provided. Collection method: clinical testing. Allele origin: germline. Affected: yes. Study: VKGL Data-share Consensus. Not counted in ClinVar's aggregate classification.

Laboratory of Diagnostic Genome Analysis, Leiden University Medical Center (LUMC)
Classification: Uncertain significance. Review status: no assertion criteria provided. Collection method: clinical testing. Allele origin: germline. Affected: yes. Study: VKGL Data-share Consensus. Not counted in ClinVar's aggregate classification.

NM_000179.3(MSH6):c.3679A>T (p.Ile1227Leu)

Gene: MSH6 (mutS homolog 6; plus strand). Cytogenetic location: 2p16.3.
Variant type: single nucleotide variant.
Coding change: c.3679A>T on transcript NM_000179.3 (MANE Select); coding-DNA position 3679, A replaced by T.
Protein change: p.Ile1227Leu; replaces isoleucine 1227 with leucine.
Molecular consequence: missense variant.
Genome position (GRCh38, 1-based): chr2:47,806,236, A>T. VCF-style: chr2-47806236-A-T. GRCh37 (hg19) VCF-style: chr2-48033375-A-T.
Other names: c.3289A>T, p.Ile1097Leu (NM_001281492.2); c.2773A>T, p.Ile925Leu (NM_001281493.2, NM_001281494.2); short protein forms I1227L, I1097L, I925L.
Identifiers: ClinVar variation 89445 (VCV000089445.21), dbSNP rs587779282, ClinGen allele CA013789.
Genomic context (GRCh38, chr2:47,806,236, plus strand): 5'-CTTCCTTATGCATATTTTACTTTAACAGGAAGAGGTACTGCAACATTTGATGGGACGGCA[A>T]TAGCAAATGCAGTTGTTAAAGAACTTGCTGAGACTATAAAATGTCGTACATTATTTTCAA-3'
Protein context (NP_000170.1, residues 1217-1237): RGTATFDGTA[Ile1227Leu]ANAVVKELAE